The following is an entry in ClinVar:

ClinVar aggregate classification (germline): Benign/Likely benign. Review status: criteria provided, multiple submitters, no conflicts (2 of 4 stars). 2 submissions from 2 submitters: Benign (1); Likely benign (1). Last evaluated 2019-12-31.

Conditions:
Renal hypodysplasia/aplasia 1 (RHDA1). Also called: HEREDITARY RENAL APLASIA; RENAL APLASIA. Identifiers: Orphanet 411709, MedGen C1619700, MONDO:0024519, OMIM 191830.

Allele frequency attached by ClinVar (database versions not stated): gnomAD exomes 0.00098; ExAC 0.00135; gnomAD 0.00352 and 0.00371; 1000 Genomes Project 0.00359; ESP Exome Variant Server 0.00392; 1000 Genomes Project 30x 0.00406; TOPMed 0.00421.
gnomAD v4.1: 1,090 of 1,613,932 alleles (0.068%); highest among the groups gnomAD compares: African/African-American, 1.2%; 10 homozygotes.

Submissions (3):

Labcorp Genetics (formerly Invitae), Labcorp
Classification: Benign. Last evaluated: 2019-12-31. Review status: criteria provided, single submitter. Criteria: Invitae Variant Classification Sherloc (09022015). Collection method: clinical testing. Allele origin: germline.

Illumina Laboratory Services, Illumina
Classification: Likely benign for Renal hypodysplasia/aplasia 1. Last evaluated: 2017-12-12. Review status: criteria provided, single submitter. Criteria: ICSL Variant Classification Criteria 13 December 2019. Collection method: clinical testing. Allele origin: germline.
Comment: This variant was observed in the ICSL laboratory as part of a predisposition screen in an ostensibly healthy population. It had not been previously curated by ICSL or reported in the Human Gene Mutation Database (HGMD: prior to June 1st, 2018), and was therefore a candidate for classification through an automated scoring system. Utilizing variant allele frequency, disease prevalence and penetrance estimates, and inheritance mode, an automated score was calculated to assess if this variant is too frequent to cause the disease. Based on the score and internal cut-off values, a variant classified as likely benign is not then subjected to further curation. The score for this variant resulted in a classification of likely benign for this disease.

Dr. Peter K. Rogan Lab, Western University
No classification provided (evidence only). Condition: Familial cancer of breast. Review status: no classification provided. Collection method: in vitro. Allele origin: not applicable. Functional consequence: retained intron. Not counted in ClinVar's aggregate classification.

NM_006953.4(UPK3A):c.571+1G>A

Gene: UPK3A (uroplakin 3A; plus strand). Cytogenetic location: 22q13.31.
Variant type: single nucleotide variant.
Coding change: c.571+1G>A on transcript NM_006953.4 (MANE Select); the canonical splice donor site of the intron after coding-DNA position 571, G replaced by A.
Molecular consequence: splice donor variant. On other transcripts: intron variant (1).
Genome position (GRCh38, 1-based): chr22:45,289,144, G>A. VCF-style: chr22-45289144-G-A. GRCh37 (hg19) VCF-style: chr22-45685025-G-A.
Other names: NC_000022.10:g.45685025G>A; c.208+3048G>A (NM_001167574.2).
Identifiers: ClinVar variation 731820 (VCV000731820.10), dbSNP rs145723454, ClinGen allele CA10284440.